The following is an entry in ClinVar:

ClinVar aggregate classification (germline): Uncertain significance (1 of 4 stars; one submission).

Conditions:
Cardiovascular phenotype. Identifiers: MedGen CN230736.

Submission:

Ambry Genetics
Classification: Uncertain significance for Cardiovascular phenotype. Last evaluated: 2025-02-01. Review status: criteria provided, single submitter. Criteria: Ambry Variant Classification Scheme 2023. Collection method: clinical testing. Allele origin: germline.
Comment: The p.E746A variant (also known as c.2237A>C), located in coding exon 14 of the CBL gene, results from an A to C substitution at nucleotide position 2237. The glutamic acid at codon 746 is replaced by alanine, an amino acid with dissimilar properties. This amino acid position is conserved. In addition, the in silico prediction for this alteration is inconclusive. Based on the available evidence, the clinical significance of this variant remains unclear.

NM_005188.4(CBL):c.2237A>C (p.Glu746Ala)

Gene: CBL (Cbl proto-oncogene; plus strand). Cytogenetic location: 11q23.3.
Variant type: single nucleotide variant.
Coding change: c.2237A>C on transcript NM_005188.4 (MANE Select); coding-DNA position 2237, A replaced by C.
Protein change: p.Glu746Ala; replaces glutamic acid 746 with alanine.
Molecular consequence: missense variant.
Genome position (GRCh38, 1-based): chr11:119,297,467, A>C. VCF-style: chr11-119297467-A-C. GRCh37 (hg19) VCF-style: chr11-119168177-A-C.
Other names: short protein forms E746A.
Identifiers: ClinVar variation 3827830 (VCV003827830.1).
Genomic context (GRCh38, chr11:119,297,467, plus strand): 5'-TTGATAGCTGTACGTATGAAGCAATGTATAATATTCAGTCCCAGGCGCCATCTATCACCG[A>C]GAGCAGCACCTTTGGTAAGTTGCCATTCTGCTACTTTAAAAATCATTGATATGTCATAGG-3'
Protein context (NP_005179.2, residues 736-756): NIQSQAPSIT[Glu746Ala]SSTFGEGNLA